The following is an entry in ClinVar:

NM_018006.5(TRMU):c.926_950del (p.Arg309fs)

Gene: TRMU (tRNA mitochondrial 2-thiouridylase; plus strand). Cytogenetic location: 22q13.31.
Variant type: Deletion.
Coding change: c.926_950del on transcript NM_018006.5 (MANE Select); coding-DNA positions 926 to 950, 25 bases deleted (GCGTGCACTGGATTGCGGAGGAGCC).
Protein change: p.Arg309fs; shifts the reading frame from arginine 309.
Molecular consequence: frameshift variant. On other transcripts: non-coding transcript variant (2).
Genome position (GRCh38, 1-based): chr22:46,355,496-46,355,520, GCGTGCACTGGATTGCGGAGGAGCC deleted; deleting any 25 consecutive bases within chr22:46,355,492-46,355,520 gives the same sequence; the c. name uses the placement nearest the transcript's 3' end. VCF-style (leftmost placement, unchanged base first): chr22-46355491-CAGCCGCGTGCACTGGATTGCGGAGG-C. GRCh37 (hg19) VCF-style: chr22-46751388-CAGCCGCGTGCACTGGATTGCGGAGG-C.
Other names: c.584_608del, p.Arg195fs (NM_001282782.2); c.506_530del, p.Arg169fs (NM_001282783.2, NM_001282784.2); c.926_950del, p.Arg309fs (NM_001282785.2); short protein forms R169fs, R195fs, R309fs.
Identifiers: ClinVar variation 3641844 (VCV003641844.2).

ClinVar aggregate classification (germline): Pathogenic (1 of 4 stars; one submission).

Submission:

Labcorp Genetics (formerly Invitae), Labcorp
Classification: Pathogenic. Last evaluated: 2024-02-18. Review status: criteria provided, single submitter. Criteria: Invitae Variant Classification Sherloc (09022015). Collection method: clinical testing. Allele origin: germline.
Comment: This sequence change creates a premature translational stop signal (p.Arg309Leufs*10) in the TRMU gene. It is expected to result in an absent or disrupted protein product. Loss-of-function variants in TRMU are known to be pathogenic (PMID: 19732863, 23625533). This variant is not present in population databases (gnomAD no frequency). This variant has not been reported in the literature in individuals affected with TRMU-related conditions. For these reasons, this variant has been classified as Pathogenic.

Literature cited by the submitters: PubMed 19732863; PubMed 23625533.